The following is an entry in ClinVar:

NM_002582.4(PARN):c.1670+1G>T

Gene: PARN (poly(A)-specific ribonuclease; minus strand). Cytogenetic location: 16p13.12.
Variant type: single nucleotide variant.
Coding change: c.1670+1G>T on transcript NM_002582.4 (MANE Select); the canonical splice donor site of the intron after coding-DNA position 1670, G replaced by T.
Molecular consequence: splice donor variant.
Genome position (GRCh38, 1-based): chr16:14,482,637, C>A on the plus strand (G>T on the coding strand, the complement: PARN is on the minus strand). VCF-style: chr16-14482637-C-A. GRCh37 (hg19) VCF-style: chr16-14576494-C-A.
Other names: c.1487+1G>T (NM_001134477.3); c.1532+1G>T (NM_001242992.2).
Identifiers: ClinVar variation 945611 (VCV000945611.8), dbSNP rs1963445391, ClinGen allele CA395183289.

ClinVar aggregate classification (germline): Likely pathogenic (1 of 4 stars; one submission).

Conditions:
Dyskeratosis congenita, autosomal recessive 6 (DKCB6). Identifiers: MedGen C4225356, MONDO:0014600, OMIM 616353.
Pulmonary fibrosis and/or bone marrow failure, Telomere-related, 4. Also called: PULMONARY FIBROSIS AND/OR BONE MARROW FAILURE SYNDROME, TELOMERE-RELATED, 4. Identifiers: Orphanet 2032, MedGen C4225347, MONDO:0014612, OMIM 616371.

Submission:

Labcorp Genetics (formerly Invitae), Labcorp
Classification: Likely pathogenic for Dyskeratosis congenita, autosomal recessive 6; Pulmonary fibrosis and/or bone marrow failure, Telomere-related, 4. Last evaluated: 2019-08-19. Review status: criteria provided, single submitter. Criteria: Invitae Variant Classification Sherloc (09022015). Collection method: clinical testing. Allele origin: germline.
Comment: Algorithms developed to predict the effect of sequence changes on RNA splicing suggest that this variant may disrupt the consensus splice site, but this prediction has not been confirmed by published transcriptional studies. Donor and acceptor splice site variants typically lead to a loss of protein function (PMID: 16199547), and loss-of-function variants in PARN are known to be pathogenic (PMID: 9736620, 25848748, 26810774). In summary, the currently available evidence indicates that the variant is pathogenic, but additional data are needed to prove that conclusively. Therefore, this variant has been classified as Likely Pathogenic. This variant has not been reported in the literature in individuals with PARN-related conditions. This variant is not present in population databases (ExAC no frequency). This sequence change affects a donor splice site in intron 22 of the PARN gene. It is expected to disrupt RNA splicing and likely results in an absent or disrupted protein product.

Literature cited by the submitters: PubMed 16199547; PubMed 9736620; PubMed 25848748; PubMed 26810774.